The following is an entry in ClinVar:

NM_000540.3(RYR1):c.14477C>T (p.Thr4826Ile)

Gene: RYR1 (ryanodine receptor 1; plus strand). Cytogenetic location: 19q13.2.
Variant type: single nucleotide variant.
Coding change: c.14477C>T on transcript NM_000540.3 (MANE Select); coding-DNA position 14477, C replaced by T.
Protein change: p.Thr4826Ile; replaces threonine 4826 with isoleucine.
Molecular consequence: missense variant.
Genome position (GRCh38, 1-based): chr19:38,580,094, C>T. VCF-style: chr19-38580094-C-T. GRCh37 (hg19) VCF-style: chr19-39070734-C-T.
Other names: NM_000540.3(RYR1):c.14477C>T; c.14462C>T, p.Thr4821Ile (NM_001042723.2); short protein forms T4826I, T4821I.
Identifiers: ClinVar variation 12978 (VCV000012978.14), dbSNP rs121918595, ClinGen allele CA024154.
Genomic context (GRCh38, chr19:38,580,094, plus strand): 5'-ACAACTTCTTCTTTGCTGCCCATCTCCTGGACATCGCCATGGGGGTCAAGACGCTGCGCA[C>T]CATCCTGTCCTCTGTCACCCACAATGGGAAACAGGTGTGGGGAGGACCTGGCTGTGGGGC-3'
Protein context (NP_000531.2, residues 4816-4836): DIAMGVKTLR[Thr4826Ile]ILSSVTHNGK

ClinVar aggregate classification (germline): Pathogenic; drug response. Review status: reviewed by expert panel (3 of 4 stars). 13 submissions from 7 submitters: Pathogenic (1). 5 of the submissions do not count toward it. Last evaluated 2021-03-24.

Conditions:
RYR1-related disorder. Also called: RYR1-related disorders; RYR1-related condition. Identifiers: MedGen CN239331.
Malignant hyperthermia, susceptibility to, 1 (MHS1). Also called: Malignant hyperthermia suceptibility 1; Anesthesia related hyperthermia; Malignant hyperpyrexia; Fulminating hyperpyrexia; Pharmacogenic myopathy; RYR1-Related Malignant Hyperthermia Susceptibility. Identifiers: Orphanet 423, MedGen C2930980, MONDO:0007783, OMIM 145600.
desflurane response - Toxicity.
succinylcholine response - Toxicity.
sevoflurane response - Toxicity.
methoxyflurane response - Toxicity.
isoflurane response - Toxicity.
halothane response - Toxicity.
enflurane response - Toxicity.

Allele frequency attached by ClinVar (database versions not stated): gnomAD exomes below 0.00001.

Submissions (13):

ClinPGx
Classification: drug response for desflurane response - Toxicity. Last evaluated: 2021-03-24. Review status: reviewed by expert panel. Criteria: Pharmacogenomics knowledge for personalized medicine. Collection method: curation. Allele origin: germline. Affected: yes.
Comment: PharmGKB Level of Evidence 1A: Level 1A clinical annotations describe variant-drug combinations that have variant-specific prescribing guidance available in a current clinical guideline annotation or an FDA-approved drug label annotation. Annotations of drug labels or clinical guidelines must give prescribing guidance for specific variants (e.g. CYP2C9*3, HLA-B*57:01) or provide mapping from defined allele functions to diplotypes and phenotypes to be used as supporting evidence for a level 1A clinical annotation. Level 1A clinical annotations must also be supported by at least one publication in addition to a clinical guideline or drug label with variant-specific prescribing guidance.

Drug is not necessarily used to treat response condition

ClinPGx
Classification: drug response for enflurane response - Toxicity. Last evaluated: 2021-03-24. Review status: reviewed by expert panel. Criteria: Pharmacogenomics knowledge for personalized medicine. Collection method: curation. Allele origin: germline. Affected: yes.
Comment: the same text as in the submission from ClinPGx above.

ClinPGx
Classification: drug response for halothane response - Toxicity. Last evaluated: 2021-03-24. Review status: reviewed by expert panel. Criteria: Pharmacogenomics knowledge for personalized medicine. Collection method: curation. Allele origin: germline. Affected: yes.
Comment: the same text as in the submission from ClinPGx above.

ClinPGx
Classification: drug response for isoflurane response - Toxicity. Last evaluated: 2021-03-24. Review status: reviewed by expert panel. Criteria: Pharmacogenomics knowledge for personalized medicine. Collection method: curation. Allele origin: germline. Affected: yes.
Comment: the same text as in the submission from ClinPGx above.

ClinPGx
Classification: drug response for methoxyflurane response - Toxicity. Last evaluated: 2021-03-24. Review status: reviewed by expert panel. Criteria: Pharmacogenomics knowledge for personalized medicine. Collection method: curation. Allele origin: germline. Affected: yes.
Comment: the same text as in the submission from ClinPGx above.

ClinPGx
Classification: drug response for sevoflurane response - Toxicity. Last evaluated: 2021-03-24. Review status: reviewed by expert panel. Criteria: Pharmacogenomics knowledge for personalized medicine. Collection method: curation. Allele origin: germline. Affected: yes.
Comment: the same text as in the submission from ClinPGx above.

ClinPGx
Classification: drug response for succinylcholine response - Toxicity. Last evaluated: 2021-03-24. Review status: reviewed by expert panel. Criteria: Pharmacogenomics knowledge for personalized medicine. Collection method: curation. Allele origin: germline. Affected: yes.
Comment: the same text as in the submission from ClinPGx above.

ClinGen Malignant Hyperthermia Susceptibility Variant Curation Expert Panel, ClinGen
Classification: Pathogenic for Malignant hyperthermia, susceptibility to, 1. Last evaluated: 2021-03-22. Review status: reviewed by expert panel. Criteria: ClinGen MHS ACMG Specifications V2. Collection method: curation. Allele origin: germline. Inheritance: Autosomal dominant inheritance.
Comment: This pathogenicity assessment is relevant only for malignant hyperthermia susceptibility (MHS) inherited in an autosomal dominant pattern. Variants in RYR1 can also cause other myopathies inherited in an autosomal dominant pattern or in an autosomal recessive pattern. Some of these disorders may predispose individuals to malignant hyperthermia. RYR1 variants may also contribute to a malignant hyperthermia reaction in combination with other genetic and non-genetic factors and the clinician needs to consider such factors in making management decisions. This sequence variant predicts a substitution of threonine with isoleucine at codon 4826 of the RYR1 protein, p.(Thr4826Ile). The maximum allele frequency for this variant among the six major gnomAD populations is NFE: 0.000009, a frequency consistent with pathogenicity for MHS. This variant has been reported in 14 unrelated individuals who have a personal or family history of a malignant hyperthermia reaction, all of these individuals had a positive in vitro contracture test (IVCT) or caffeine halothane contracture test (CHCT) result (if the proband was unavailable for testing, a positive diagnostic test result in a mutation-positive relative was counted), PS4 (PMID: 30236257, 10888602, 16163667, 18564801, 25960145). This variant segregates with MHS in seven families, PP1_Strong ( PMID: 30236257). Two studies using a knock-in mouse model support pathogenicity of this variant. One study demonstrated a malignant hyperthermia reaction in response to agonist (PMID: 22131268). The other ex vivo study showed increased response to agonist with increased calcium release (PMID: 22139840), PS3_Strong. Studies in dyspedic myotubes also show increased sensitivity to RYR1 agonists (PMID: 12732639, 15347586). This variant resides in a region of RYR1 considered to be a hotspot for pathogenic variants that contribute to MHS, PM1_Sup (PMID: 21118704). A REVEL score >0.85 (0.977) supports a pathogenic status for this variant, PP3_Moderate. This variant has been classified as Pathogenic. Criteria implemented: PS3, PS4, PM1_Supporting, PP1_Strong, PP3_Moderate.

Labcorp Genetics (formerly Invitae), Labcorp
Classification: Pathogenic for RYR1-related disorder. Last evaluated: 2023-03-20. Review status: criteria provided, single submitter. Criteria: Invitae Variant Classification Sherloc (09022015). Collection method: clinical testing. Allele origin: germline. Not counted in ClinVar's aggregate classification.
Comment: This sequence change replaces threonine, which is neutral and polar, with isoleucine, which is neutral and non-polar, at codon 4826 of the RYR1 protein (p.Thr4826Ile). This variant is present in population databases (rs121918595, gnomAD 0.0009%). This missense change has been observed in individual(s) with autosomal dominant malignant hyperthermia (PMID: 10888602, 19648156). It has also been observed to segregate with disease in related individuals. ClinVar contains an entry for this variant (Variation ID: 12978). Advanced modeling of protein sequence and biophysical properties (such as structural, functional, and spatial information, amino acid conservation, physicochemical variation, residue mobility, and thermodynamic stability) performed at Invitae indicates that this missense variant is expected to disrupt RYR1 protein function. Experimental studies have shown that this missense change affects RYR1 function (PMID: 12732639). For these reasons, this variant has been classified as Pathogenic.

Victorian Clinical Genetics Services, Murdoch Childrens Research Institute
Classification: Pathogenic for Malignant hyperthermia, susceptibility to, 1. Last evaluated: 2022-02-02. Review status: criteria provided, single submitter. Criteria: ACMG Guidelines, 2015. Collection method: clinical testing. Allele origin: germline. Inheritance: Autosomal dominant inheritance. Not counted in ClinVar's aggregate classification.
Comment: Based on the classification scheme VCGS_Germline_v1.3.3, this variant is classified as Pathogenic. Following criteria are met: 0103 - Loss of function and gain of function are known mechanisms of disease in this gene and are associated with RYR1-related disorders. Central core disease (MIM#117000), congenital neuromuscular disease with uniform type 1 fiber (MIM#17000) and minicore myopathy with external ophthalmoplegia (MIM#255320) are associated with loss of function, while a gain of function mechanism has been described in the context of malignant hyperthermia susceptibility (MIM#145600; PMIDs: 27855725, 23919265). (I) 0108 - This gene is associated with both recessive and dominant disease (OMIM). (I) 0200 - Variant is predicted to result in a missense amino acid change from threonine to isoleucine. (I) 0251 - This variant is heterozygous. (I) 0302 - Variant is present in gnomAD (v2) <0.001 for a dominant condition (1 heterozygote, 0 homozygotes). (SP) 0309 - An alternative amino acid change at the same position has been observed in gnomAD (v2) (1 heterozygote, 0 homozygotes). (I) 0501 - Missense variant consistently predicted to be damaging by multiple in silico tools or highly conserved with a major amino acid change. (SP) 0602 - Variant is located in a hotspot region or cluster of pathogenic variants (C-terminal: MH/CCD region 3; PMID: 30406384). (SP) 0801 - This variant has strong previous evidence of pathogenicity in unrelated individuals. This variant has been identified by the European Malignant Hyperthermia Group (EMHG) as causative for Malignant Hyperthermia. It has also been reviewed by an expert panel as a drug response and classified as pathogenic in ClinVar. (SP) 1208 - Inheritance information for this variant is not currently available in this individual. (I) Legend: (SP) - Supporting pathogenic, (I) - Information, (SB) - Supporting benign

PreventionGenetics, part of Exact Sciences
Classification: Pathogenic. Last evaluated: 2015-05-05. Review status: criteria provided, single submitter. Criteria: ACMG Guidelines, 2015. Collection method: clinical testing. Allele origin: germline. Not counted in ClinVar's aggregate classification.

OMIM
Classification: risk factor for MALIGNANT HYPERTHERMIA, SUSCEPTIBILITY TO, 1. Last evaluated: 2000-06-12. Review status: no assertion criteria provided. Collection method: literature only. Allele origin: germline. Not counted in ClinVar's aggregate classification.

RYR1 database
No classification provided. Review status: no classification provided. Collection method: not provided. Allele origin: unknown. Not counted in ClinVar's aggregate classification.

Literature cited by the submitters: PubMed 10888602 (cited by 3 submitters); PubMed 16163667 (cited by ClinPGx); PubMed 16917943 (cited by ClinPGx); PubMed 18564801 (cited by ClinPGx); PubMed 19648156 (cited by ClinPGx and Labcorp Genetics (formerly Invitae), Labcorp); PubMed 25960145 (cited by ClinPGx); PubMed 12732639 (cited by Labcorp Genetics (formerly Invitae), Labcorp); PubMed 23919265 (cited by Victorian Clinical Genetics Services, Murdoch Childrens Research Institute); PubMed 27855725 (cited by Victorian Clinical Genetics Services, Murdoch Childrens Research Institute); PubMed 30406384 (cited by Victorian Clinical Genetics Services, Murdoch Childrens Research Institute).